The following is an entry in ClinVar:

ClinVar aggregate classification (germline): Uncertain significance. Review status: criteria provided, multiple submitters, no conflicts (2 of 4 stars). 2 submissions from 2 submitters: Uncertain significance (2). Last evaluated 2025-02-10.

Conditions:
Inborn genetic diseases. Identifiers: MedGen C0950123, MeSH D030342.
Mosaic variegated aneuploidy syndrome 2 (MVA2). Identifiers: Orphanet 1052, MedGen C3279843, MONDO:0013582, OMIM 614114.

Allele frequency attached by ClinVar (database versions not stated): gnomAD exomes below 0.00001 and 0.00001.
gnomAD v4.1: 7 of 1,614,168 alleles (0.00043%); highest among the groups gnomAD compares: South Asian, 0.0033%; no homozygotes.

Submissions (2):

Ambry Genetics
Classification: Uncertain significance for Inborn genetic diseases. Last evaluated: 2025-02-10. Review status: criteria provided, single submitter. Criteria: Ambry Variant Classification Scheme 2023. Collection method: clinical testing. Allele origin: germline.
Comment: The p.N306S variant (also known as c.917A>G), located in coding exon 9 of the CEP57 gene, results from an A to G substitution at nucleotide position 917. The asparagine at codon 306 is replaced by serine, an amino acid with highly similar properties. This amino acid position is conserved. In addition, the in silico prediction for this alteration is inconclusive. Based on the available evidence, the clinical significance of this variant remains unclear.

Labcorp Genetics (formerly Invitae), Labcorp
Classification: Uncertain significance for Mosaic variegated aneuploidy syndrome 2. Last evaluated: 2023-11-21. Review status: criteria provided, single submitter. Criteria: Invitae Variant Classification Sherloc (09022015). Collection method: clinical testing. Allele origin: germline.
Comment: This sequence change replaces asparagine, which is neutral and polar, with serine, which is neutral and polar, at codon 306 of the CEP57 protein (p.Asn306Ser). This variant is present in population databases (rs557536640, gnomAD 0.006%). This variant has not been reported in the literature in individuals affected with CEP57-related conditions. ClinVar contains an entry for this variant (Variation ID: 472261). Advanced modeling of protein sequence and biophysical properties (such as structural, functional, and spatial information, amino acid conservation, physicochemical variation, residue mobility, and thermodynamic stability) has been performed at Invitae for this missense variant, however the output from this modeling did not meet the statistical confidence thresholds required to predict the impact of this variant on CEP57 protein function. In summary, the available evidence is currently insufficient to determine the role of this variant in disease. Therefore, it has been classified as a Variant of Uncertain Significance.

NM_014679.5(CEP57):c.917A>G (p.Asn306Ser)

Gene: CEP57 (centrosomal protein 57; plus strand). Cytogenetic location: 11q21.
Variant type: single nucleotide variant.
Coding change: c.917A>G on transcript NM_014679.5 (MANE Select); coding-DNA position 917, A replaced by G.
Protein change: p.Asn306Ser; replaces asparagine 306 with serine.
Molecular consequence: missense variant.
Genome position (GRCh38, 1-based): chr11:95,827,817, A>G. VCF-style: chr11-95827817-A-G. GRCh37 (hg19) VCF-style: chr11-95560981-A-G.
Other names: c.890A>G, p.Asn297Ser (NM_001243776.2); c.839A>G, p.Asn280Ser (NM_001243777.2); c.836A>G, p.Asn279Ser (NM_001363604.2); short protein forms N306S, N297S, N279S, N280S.
Identifiers: ClinVar variation 472261 (VCV000472261.11), dbSNP rs557536640, ClinGen allele CA226586196.